The following is an entry in ClinVar:

ClinVar aggregate classification (germline): Uncertain significance. Review status: criteria provided, multiple submitters, no conflicts (2 of 4 stars). 2 submissions from 2 submitters: Uncertain significance (2). Last evaluated 2025-02-06.

Conditions:
Inborn genetic diseases. Identifiers: MedGen C0950123, MeSH D030342.

Allele frequency attached by ClinVar (database versions not stated): gnomAD exomes 0.00004; ExAC 0.00005.
gnomAD v4.1: 16 of 1,613,508 alleles (0.00099%); highest among the groups gnomAD compares: East Asian, 0.02%; no homozygotes.

Submissions (2):

Ambry Genetics
Classification: Uncertain significance for Inborn genetic diseases. Last evaluated: 2025-02-06. Review status: criteria provided, single submitter. Criteria: Ambry Variant Classification Scheme 2023. Collection method: clinical testing. Allele origin: germline.

Labcorp Genetics (formerly Invitae), Labcorp
Classification: Uncertain significance. Last evaluated: 2024-10-08. Review status: criteria provided, single submitter. Criteria: Invitae Variant Classification Sherloc (09022015). Collection method: clinical testing. Allele origin: germline.
Comment: This sequence change replaces glycine, which is neutral and non-polar, with arginine, which is basic and polar, at codon 67 of the GDF5 protein (p.Gly67Arg). This variant is present in population databases (rs753597147, gnomAD 0.04%). This variant has not been reported in the literature in individuals affected with GDF5-related conditions. ClinVar contains an entry for this variant (Variation ID: 1396777). An algorithm developed to predict the effect of missense changes on protein structure and function (PolyPhen-2) suggests that this variant is likely to be disruptive. In summary, the available evidence is currently insufficient to determine the role of this variant in disease. Therefore, it has been classified as a Variant of Uncertain Significance.

NM_000557.5(GDF5):c.199G>A (p.Gly67Arg)

Gene: GDF5 (growth differentiation factor 5; minus strand). Cytogenetic location: 20q11.22.
Variant type: single nucleotide variant.
Coding change: c.199G>A on transcript NM_000557.5 (MANE Select); coding-DNA position 199, G replaced by A.
Protein change: p.Gly67Arg; replaces glycine 67 with arginine.
Molecular consequence: missense variant.
Genome position (GRCh38, 1-based): chr20:35,437,730, C>T on the plus strand (G>A on the coding strand, the complement: GDF5 is on the minus strand). VCF-style: chr20-35437730-C-T. GRCh37 (hg19) VCF-style: chr20-34025510-C-T.
Other names: c.199G>A (NM_000557.2); c.199G>A, p.Gly67Arg (NM_001319138.2); short protein forms G67R.
Identifiers: ClinVar variation 1396777 (VCV001396777.8), dbSNP rs753597147, ClinGen allele CA9832404.